The following is an entry in ClinVar:

NM_001394998.1(TANC2):c.1572G>A (p.Ser524=)

Gene: TANC2 (tetratricopeptide repeat, ankyrin repeat and coiled-coil containing 2; plus strand). Cytogenetic location: 17q23.3.
Variant type: single nucleotide variant.
Coding change: c.1572G>A on transcript NM_001394998.1 (MANE Select); coding-DNA position 1572, G replaced by A.
Protein change: p.Ser524=; no amino-acid change (serine 524 retained).
Molecular consequence: synonymous variant.
Genome position (GRCh38, 1-based): chr17:63,319,087, G>A. VCF-style: chr17-63319087-G-A. GRCh37 (hg19) VCF-style: chr17-61396448-G-A.
Other names: c.1350G>A, p.Ser450= (NM_025185.4).
Identifiers: ClinVar variation 736088 (VCV000736088.7), dbSNP rs376511865, ClinGen allele CA8697609.

ClinVar aggregate classification (germline): Benign. Review status: criteria provided, multiple submitters, no conflicts (2 of 4 stars). 3 submissions from 3 submitters: Benign (2). 1 of the submissions does not count toward it. Last evaluated 2018-03-02.

Conditions:
TANC2-related disorder. Also called: TANC2-related condition.

Allele frequency attached by ClinVar (database versions not stated): gnomAD exomes 0.00007 and 0.00017; ExAC 0.00025; gnomAD 0.00084 and 0.00086; ESP Exome Variant Server 0.00089; TOPMed 0.00096; 1000 Genomes Project 0.00100; 1000 Genomes Project 30x 0.00109.
gnomAD v4.1: 239 of 1,611,108 alleles (0.015%); highest among the groups gnomAD compares: African/African-American, 0.29%; no homozygotes.

Submissions (3):

Labcorp Genetics (formerly Invitae), Labcorp
Classification: Benign. Last evaluated: 2018-03-02. Review status: criteria provided, single submitter. Criteria: Invitae Variant Classification Sherloc (09022015). Collection method: clinical testing. Allele origin: germline.

Breakthrough Genomics
Classification: Benign. Review status: criteria provided, single submitter. Criteria: ACMG Guidelines, 2015. Collection method: not provided. Allele origin: germline. Inheritance: Autosomal dominant inheritance. Affected: yes.

PreventionGenetics, part of Exact Sciences
Classification: Likely benign for TANC2-related condition. Last evaluated: 2019-07-31. Review status: no assertion criteria provided. Collection method: clinical testing. Allele origin: germline. Not counted in ClinVar's aggregate classification.
Comment: This variant is classified as likely benign based on ACMG/AMP sequence variant interpretation guidelines (Richards et al. 2015 PMID: 25741868, with internal and published modifications).